The following is an entry in ClinVar:

ClinVar aggregate classification (germline): Uncertain significance. Review status: criteria provided, multiple submitters, no conflicts (2 of 4 stars). 3 submissions from 3 submitters: Uncertain significance (3). Last evaluated 2025-05-12.

Conditions:
Williams syndrome (WBS). Also called: WILLIAMS-BEUREN SYNDROME; CHROMOSOME 7q11.23 DELETION SYNDROME, 1.5- TO 1.8-MB. Identifiers: Orphanet 904, MedGen C0175702, MONDO:0008678, OMIM 194050. Disease mechanism: loss of function.
Supravalvar aortic stenosis (SVAS). Also called: Supravalvar aortic stenosis, Eisenberg type. Identifiers: Orphanet 3193, MedGen C0003499, MONDO:0008504, OMIM 185500, HP:0004381.
Cutis laxa, autosomal dominant 1 (ADCL1). Also called: ELN-Related Cutis Laxa. Identifiers: Orphanet 90348, MedGen C3276539, MONDO:0007411, OMIM 123700. Disease mechanism: Dominant Negative.

Submissions (3):

Labcorp Genetics (formerly Invitae), Labcorp
Classification: Uncertain significance for Supravalvar aortic stenosis. Last evaluated: 2025-05-12. Review status: criteria provided, single submitter. Criteria: Invitae Variant Classification Sherloc (09022015). Collection method: clinical testing. Allele origin: germline.
Comment: This sequence change replaces alanine, which is neutral and non-polar, with phenylalanine, which is neutral and non-polar, at codon 560 of the ELN protein (p.Ala560Phe). This variant is present in population databases (no rsID available, gnomAD 0.003%). This variant has not been reported in the literature in individuals affected with ELN-related conditions. ClinVar contains an entry for this variant (Variation ID: 213198). Experimental studies and prediction algorithms are not available or were not evaluated, and the functional significance of this variant is currently unknown. In summary, the available evidence is currently insufficient to determine the role of this variant in disease. Therefore, it has been classified as a Variant of Uncertain Significance.

Fulgent Genetics
Classification: Uncertain significance for Cutis laxa, autosomal dominant 1; Supravalvar aortic stenosis; Williams syndrome. Last evaluated: 2022-02-24. Review status: criteria provided, single submitter. Criteria: ACMG Guidelines, 2015. Collection method: clinical testing. Allele origin: unknown.

GeneDx
Classification: Uncertain significance. Last evaluated: 2014-12-08. Review status: criteria provided, single submitter. Criteria: GeneDx Variant Classification (06012015). Collection method: clinical testing. Allele origin: germline. Affected: yes.
Comment: The c.1591_1592delGCinsTT variant in the ELN gene has not been reported previously as a disease-causing mutation nor as a benign polymorphism, to our knowledge. It results in substitution of the Alanine 531 residue with a Phenylalanine residue, denoted A531F at the protein level. The c.1591_1592delGCinsTT variant was not observed in approximately 6500 individuals of European and African American ancestry in the NHLBI Exome Sequencing Project, indicating it is not a common benign variant in these populations. The variant results in a semi-conservative amino acid substitution, may impact secondary protein structure as these residues differ in some properties. It occurs at a position that is well conserved in mammals. In silico analysis is inconsistent in its predictions as to whether or not the variant is damaging to the protein structure/function. We interpret c.1591_1592delGCinsTT as a variant of unknown significance. This variant was found in ELN

NM_000501.4(ELN):c.1591_1592delinsTT (p.Ala531Phe)

Genes: ELN (elastin; plus strand), ELN-AS1 (ELN antisense RNA 1; minus strand). Cytogenetic location: 7q11.23.
Variant type: Indel.
Coding change: c.1591_1592delinsTT on transcript NM_000501.4 (MANE Select); coding-DNA positions 1591 to 1592, GC replaced by TT.
Protein change: p.Ala531Phe; replaces alanine 531 with phenylalanine.
Molecular consequence: missense variant. On other transcripts: intron variant (1).
Genome position (GRCh38, 1-based): chr7:74,060,154-74,060,155, GC replaced by TT. VCF-style: chr7-74060154-GC-TT. GRCh37 (hg19) VCF-style: chr7-73474484-GC-TT.
Other names: p.A531F:GCT>TTT; c.1477+107_1477+108delinsTT (NM_001278916.2); c.1504_1505delinsTT, p.Ala502Phe (NM_001081752.3); c.1549_1550delinsTT, p.Ala517Phe (NM_001081753.3); c.1606_1607delinsTT, p.Ala536Phe (NM_001081754.3); c.1534_1535delinsTT, p.Ala512Phe (NM_001081755.3); c.1591_1592delinsTT, p.Ala531Phe (NM_001278912.2); c.1348_1349delinsTT, p.Ala450Phe (NM_001278913.2); and 5 more; short protein forms A442F, A507F, A531F, A536F, A517F, A521F, A450F, A502F.
Identifiers: ClinVar variation 213198 (VCV000213198.5), dbSNP rs863223529, ClinGen allele CA321390.